The following is an entry in ClinVar:

NM_007194.4(CHEK2):c.199T>G (p.Ser67Ala)

Gene: CHEK2 (checkpoint kinase 2; minus strand). Cytogenetic location: 22q12.1.
Variant type: single nucleotide variant.
Coding change: c.199T>G on transcript NM_007194.4 (MANE Select); coding-DNA position 199, T replaced by G.
Protein change: p.Ser67Ala; replaces serine 67 with alanine.
Molecular consequence: missense variant.
Genome position (GRCh38, 1-based): chr22:28,734,523, A>C on the plus strand (T>G on the coding strand, the complement: CHEK2 is on the minus strand). VCF-style: chr22-28734523-A-C. GRCh37 (hg19) VCF-style: chr22-29130511-A-C.
Other names: c.199T>G, p.Ser67Ala (NM_001005735.3, NM_001349956.3, NM_145862.3); c.-579T>G (NM_001257387.3); short protein forms S67A.
Identifiers: ClinVar variation 647639 (VCV000647639.14), dbSNP rs1601852238, ClinGen allele CA411090807.

ClinVar aggregate classification (germline): Uncertain significance. Review status: criteria provided, multiple submitters, no conflicts (2 of 4 stars). 2 submissions from 2 submitters: Uncertain significance (2). Last evaluated 2022-10-27.

Conditions:
Hereditary cancer-predisposing syndrome. Also called: Hereditary Cancer Syndrome; Tumor predisposition; Hereditary neoplastic syndrome; Neoplastic Syndromes, Hereditary. Identifiers: Orphanet 140162, MedGen C0027672, MeSH D009386, MONDO:0015356.
Familial cancer of breast. Also called: hereditary breast carcinoma; Hereditary breast cancer; BREAST CANCER, FAMILIAL. Identifiers: Orphanet 227535, MedGen C0346153, MONDO:0016419, OMIM 114480. Disease mechanism: loss of function.

Allele frequency attached by ClinVar (database versions not stated): gnomAD exomes below 0.00001.
gnomAD v4.1: 1 of 1,614,034 alleles (0.000062%); highest among the groups gnomAD compares: Non-Finnish European, 0.000085%; no homozygotes.

Submissions (2):

Labcorp Genetics (formerly Invitae), Labcorp
Classification: Uncertain significance for Familial cancer of breast. Last evaluated: 2022-10-27. Review status: criteria provided, single submitter. Criteria: Invitae Variant Classification Sherloc (09022015). Collection method: clinical testing. Allele origin: germline.
Comment: In summary, the available evidence is currently insufficient to determine the role of this variant in disease. Therefore, it has been classified as a Variant of Uncertain Significance. Algorithms developed to predict the effect of missense changes on protein structure and function (SIFT, PolyPhen-2, Align-GVGD) all suggest that this variant is likely to be tolerated. ClinVar contains an entry for this variant (Variation ID: 647639). This variant has not been reported in the literature in individuals affected with CHEK2-related conditions. This variant is not present in population databases (gnomAD no frequency). This sequence change replaces serine, which is neutral and polar, with alanine, which is neutral and non-polar, at codon 67 of the CHEK2 protein (p.Ser67Ala).

Ambry Genetics
Classification: Uncertain significance for Hereditary cancer-predisposing syndrome. Last evaluated: 2018-11-24. Review status: criteria provided, single submitter. Criteria: Ambry Variant Classification Scheme 2023. Collection method: clinical testing. Allele origin: germline.
Comment: The p.S67A variant (also known as c.199T>G), located in coding exon 1 of the CHEK2 gene, results from a T to G substitution at nucleotide position 199. The serine at codon 67 is replaced by alanine, an amino acid with similar properties. This amino acid position is well conserved in available vertebrate species. In addition, this alteration is predicted to be tolerated by in silico analysis. Since supporting evidence is limited at this time, the clinical significance of this alteration remains unclear.